The following is an entry in ClinVar:

ClinVar aggregate classification (germline): Uncertain significance (1 of 4 stars; one submission).

Allele frequency attached by ClinVar (database versions not stated): gnomAD exomes below 0.00001; gnomAD 0.00001.
gnomAD v4.1: 6 of 1,610,564 alleles (0.00037%); highest among the groups gnomAD compares: Non-Finnish European, 0.00051%; no homozygotes.

Submission:

Labcorp Genetics (formerly Invitae), Labcorp
Classification: Uncertain significance. Last evaluated: 2021-09-01. Review status: criteria provided, single submitter. Criteria: Invitae Variant Classification Sherloc (09022015). Collection method: clinical testing. Allele origin: germline.
Comment: This sequence change replaces threonine with proline at codon 406 of the LAMC3 protein (p.Thr406Pro). The threonine residue is moderately conserved and there is a small physicochemical difference between threonine and proline. This variant is not present in population databases (ExAC no frequency). This variant has not been reported in the literature in individuals affected with LAMC3-related conditions. Algorithms developed to predict the effect of missense changes on protein structure and function are either unavailable or do not agree on the potential impact of this missense change (SIFT: "Tolerated"; PolyPhen-2: "Possibly Damaging"; Align-GVGD: "Class C0"). In summary, the available evidence is currently insufficient to determine the role of this variant in disease. Therefore, it has been classified as a Variant of Uncertain Significance.

NM_006059.4(LAMC3):c.1216A>C (p.Thr406Pro)

Gene: LAMC3 (laminin subunit gamma 3; plus strand). Cytogenetic location: 9q34.12.
Variant type: single nucleotide variant.
Coding change: c.1216A>C on transcript NM_006059.4 (MANE Select); coding-DNA position 1216, A replaced by C.
Protein change: p.Thr406Pro; replaces threonine 406 with proline.
Molecular consequence: missense variant.
Genome position (GRCh38, 1-based): chr9:131,039,181, A>C. VCF-style: chr9-131039181-A-C. GRCh37 (hg19) VCF-style: chr9-133914568-A-C.
Other names: short protein forms T406P.
Identifiers: ClinVar variation 1464884 (VCV001464884.5), dbSNP rs1361071864, ClinGen allele CA375259742.